The following is an entry in ClinVar:

NM_000092.5(COL4A4):c.156C>A (p.Cys52Ter)

Gene: COL4A4 (collagen type IV alpha 4 chain; minus strand). Cytogenetic location: 2q36.3.
Variant type: single nucleotide variant.
Coding change: c.156C>A on transcript NM_000092.5 (MANE Select); coding-DNA position 156, C replaced by A.
Protein change: p.Cys52Ter; replaces cysteine 52 with a stop codon.
Molecular consequence: nonsense.
Genome position (GRCh38, 1-based): chr2:227,140,197, G>T on the plus strand (C>A on the coding strand, the complement: COL4A4 is on the minus strand). VCF-style: chr2-227140197-G-T. GRCh37 (hg19) VCF-style: chr2-228004913-G-T.
Other names: short protein forms C52*.
Identifiers: ClinVar variation 1073919 (VCV001073919.9), dbSNP rs2125291854, ClinGen allele CA350866388.

ClinVar aggregate classification (germline): Pathogenic. Review status: criteria provided, multiple submitters, no conflicts (2 of 4 stars). 3 submissions from 3 submitters: Pathogenic (3). Last evaluated 2026-03-05.

Conditions:
Alport syndrome. Also called: Hemorrhagic familial nephritis; Hemorrhagic hereditary nephritis; Congenital hereditary hematuria. Identifiers: Orphanet 63, MedGen C1567741, MONDO:0018965.
Hematuria, benign familial, 1 (BFH1). Also called: THIN MEMBRANE NEPHROPATHY. Identifiers: MedGen CN376803, MONDO:0007709, OMIM 141200.

Submissions (3):

Myriad Genetics, Inc.
Classification: Pathogenic for Alport syndrome. Last evaluated: 2026-03-05. Review status: criteria provided, single submitter. Criteria: Myriad Autosomal Dominant, Autosomal Recessive and X-Linked Classification Criteria (2023). Collection method: clinical testing. Allele origin: unknown.
Comment: NM_000092.4(COL4A4):c.156C>A(C52*) is expected to be pathogenic in the context of Alport syndrome, COL4A4-related. This variant is predicted to lead to an abnormal or absent protein product due to the creation of a premature termination codon in COL4A4, a gene where loss-of-function variants are known to be pathogenic. Please note: this variant was assessed in the context of healthy population screening.

Labcorp Genetics (formerly Invitae), Labcorp
Classification: Pathogenic. Last evaluated: 2021-04-18. Review status: criteria provided, single submitter. Criteria: Invitae Variant Classification Sherloc (09022015). Collection method: clinical testing. Allele origin: germline.
Comment: This variant has not been reported in the literature in individuals with COL4A4-related conditions. For these reasons, this variant has been classified as Pathogenic. Loss-of-function variants in COL4A4 are known to be pathogenic (PMID: 19129241, 21196518, 24052634, 24522496, 24854265, 25307543, 26809805, 27281700). This variant is not present in population databases (ExAC no frequency). This sequence change creates a premature translational stop signal (p.Cys52*) in the COL4A4 gene. It is expected to result in an absent or disrupted protein product.

Clinical Genetics Service, Universitary Hospital 12 de Octubre
Classification: Pathogenic for Hematuria, benign familial, 1. Review status: criteria provided, single submitter. Criteria: ACMG Guidelines, 2015. Collection method: clinical testing. Allele origin: germline. Affected: yes.

Literature cited by the submitters: PubMed 19129241 (cited by Labcorp Genetics (formerly Invitae), Labcorp); PubMed 21196518 (cited by Labcorp Genetics (formerly Invitae), Labcorp); PubMed 24052634 (cited by Labcorp Genetics (formerly Invitae), Labcorp); PubMed 24522496 (cited by Labcorp Genetics (formerly Invitae), Labcorp); PubMed 24854265 (cited by Labcorp Genetics (formerly Invitae), Labcorp); PubMed 25307543 (cited by Labcorp Genetics (formerly Invitae), Labcorp); PubMed 26809805 (cited by Labcorp Genetics (formerly Invitae), Labcorp); PubMed 27281700 (cited by Labcorp Genetics (formerly Invitae), Labcorp).